The following is an entry in ClinVar:

NM_199420.4(POLQ):c.6005A>G (p.Glu2002Gly)

Gene: POLQ (DNA polymerase theta; minus strand). Cytogenetic location: 3q13.33.
Variant type: single nucleotide variant.
Coding change: c.6005A>G on transcript NM_199420.4 (MANE Select); coding-DNA position 6005, A replaced by G.
Protein change: p.Glu2002Gly; replaces glutamic acid 2002 with glycine.
Molecular consequence: missense variant.
Genome position (GRCh38, 1-based): chr3:121,481,778, T>C on the plus strand (A>G on the coding strand, the complement: POLQ is on the minus strand). VCF-style: chr3-121481778-T-C. GRCh37 (hg19) VCF-style: chr3-121200625-T-C.
Other names: short protein forms E2002G.
Identifiers: ClinVar variation 3230084 (VCV003230084.1), dbSNP rs1434110993, ClinGen allele CA354088245.

ClinVar aggregate classification (germline): Uncertain significance (1 of 4 stars; one submission).

Allele frequency attached by ClinVar (database versions not stated): gnomAD 0.00001; TOPMed 0.00001.
gnomAD v4.1: 2 of 1,612,876 alleles (0.00012%); highest among the groups gnomAD compares: African/African-American, 0.0027%; no homozygotes.

Submission:

Ambry Genetics
Classification: Uncertain significance. Last evaluated: 2023-11-22. Review status: criteria provided, single submitter. Criteria: Ambry Variant Classification Scheme 2023. Collection method: clinical testing. Allele origin: germline.
Comment: The p.E2002G variant (also known as c.6005A>G), located in coding exon 19 of the POLQ gene, results from an A to G substitution at nucleotide position 6005. The glutamic acid at codon 2002 is replaced by glycine, an amino acid with similar properties. This amino acid position is conserved. In addition, this alteration is predicted to be tolerated by in silico analysis. Since supporting evidence is limited at this time, the clinical significance of this alteration remains unclear.